The following is an entry in ClinVar:

ClinVar aggregate classification (germline): Uncertain significance (1 of 4 stars; one submission).

Allele frequency attached by ClinVar (database versions not stated): gnomAD exomes below 0.00001.

Submission:

Labcorp Genetics (formerly Invitae), Labcorp
Classification: Uncertain significance. Last evaluated: 2025-12-01. Review status: criteria provided, single submitter. Criteria: Invitae Variant Classification Sherloc (09022015). Collection method: clinical testing. Allele origin: germline.
Comment: This sequence change replaces asparagine, which is neutral and polar, with serine, which is neutral and polar, at codon 150 of the CLCN7 protein (p.Asn150Ser). This variant is present in population databases (no rsID available, gnomAD 0.0009%). This variant has not been reported in the literature in individuals affected with CLCN7-related conditions. ClinVar contains an entry for this variant (Variation ID: 1969768). Invitae Evidence Modeling of protein sequence and biophysical properties (such as structural, functional, and spatial information, amino acid conservation, physicochemical variation, residue mobility, and thermodynamic stability) indicates that this missense variant is not expected to disrupt CLCN7 protein function with a negative predictive value of 95%. In summary, the available evidence is currently insufficient to determine the role of this variant in disease. Therefore, it has been classified as a Variant of Uncertain Significance.

NM_001287.6(CLCN7):c.449A>G (p.Asn150Ser)

Gene: CLCN7 (Cl-/H+ antiporter 7; minus strand). Cytogenetic location: 16p13.3.
Variant type: single nucleotide variant.
Coding change: c.449A>G on transcript NM_001287.6 (MANE Select); coding-DNA position 449, A replaced by G.
Protein change: p.Asn150Ser; replaces asparagine 150 with serine.
Molecular consequence: missense variant.
Genome position (GRCh38, 1-based): chr16:1,460,851, T>C on the plus strand (A>G on the coding strand, the complement: CLCN7 is on the minus strand). VCF-style: chr16-1460851-T-C. GRCh37 (hg19) VCF-style: chr16-1510852-T-C.
Other names: c.377A>G, p.Asn126Ser (NM_001114331.3); short protein forms N126S, N150S.
Identifiers: ClinVar variation 1969768 (VCV001969768.5), dbSNP rs753054772, ClinGen allele CA394192441.
Genomic context (GRCh38, chr16:1,460,851, plus strand): 5'-GCAGCGGCCGCACTGGGAAGGATACTGCCCTTGATGACCCTGTACTTGAGGCCAGCCAGG[T>C]TTTCCACCACGATGTCAATGAAGCAGGCCACGAGGCCCGTGAGGATCCCAATGAGGGCGC-3'
Protein context (NP_001278.1, residues 140-160): VACFIDIVVE[Asn150Ser]LAGLKYRVIK